The following is an entry in ClinVar:

NM_000038.6(APC):c.5501_5506del (p.Val1834_Arg1835del)

Gene: APC (APC regulator of Wnt signaling pathway; plus strand). Cytogenetic location: 5q22.2.
Variant type: Deletion.
Coding change: c.5501_5506del on transcript NM_000038.6 (MANE Select); coding-DNA positions 5501 to 5506, 6 bases deleted (TCAGAG; older notation c.5501_5506delTCAGAG).
Protein change: p.Val1834_Arg1835del.
Molecular consequence: inframe deletion.
Genome position (GRCh38, 1-based): chr5:112,841,095-112,841,100, TCAGAG deleted; deleting any 6 consecutive bases within chr5:112,841,091-112,841,100 gives the same sequence; the c. name uses the placement nearest the transcript's 3' end. VCF-style (leftmost placement, unchanged base first): chr5-112841090-TAGAGTC-T. GRCh37 (hg19) VCF-style: chr5-112176787-TAGAGTC-T.
Other names: c.5501_5506delTCAGAG (NM_000038.5, NM_000038.6, NM_000038.4); c.5501_5506del, p.Val1834_Arg1835del (NM_001127510.3, NM_001354895.2); c.5447_5452del, p.Val1816_Arg1817del (NM_001127511.3); c.5555_5560del, p.Val1852_Arg1853del (NM_001354896.2); c.5531_5536del, p.Val1844_Arg1845del (NM_001354897.2); c.5426_5431del, p.Val1809_Arg1810del (NM_001354898.2); c.5417_5422del, p.Val1806_Arg1807del (NM_001354899.2); c.5378_5383del, p.Val1793_Arg1794del (NM_001354900.2); and 6 more.
Identifiers: ClinVar variation 141574 (VCV000141574.34), dbSNP rs587778029, ClinGen allele CA010456.
Genomic context (GRCh38, chr5:112,841,090, plus strand): 5'-GAAACAGAATTTGAAAAATAATTCCAAGGTCTTCAATGATAAGCTCCCAAATAATGAAGA[TAGAGTC>T]AGAGGAAGTTTTGCTTTTGATTCACCTCATCATTACACGCCTATTGAAGGAACTCCTTAC-3'

ClinVar aggregate classification (germline): Conflicting classifications of pathogenicity. Review status: criteria provided, conflicting classifications (1 of 4 stars). 14 submissions from 14 submitters: Uncertain significance (9); Likely benign (3). 2 of the submissions do not count toward it. Last evaluated 2026-04-06.

Conditions:
Classic or attenuated familial adenomatous polyposis. Identifiers: MedGen CN372698, MONDO:0021057.
APC-related disorder. Also called: APC-related condition.
Hereditary cancer-predisposing syndrome. Also called: Tumor predisposition; Neoplastic Syndromes, Hereditary; Hereditary neoplastic syndrome; Hereditary Cancer Syndrome. Identifiers: Orphanet 140162, MedGen C0027672, MeSH D009386, MONDO:0015356.
Familial adenomatous polyposis 1 (FAP1). Also called: FAMILIAL ADENOMATOUS POLYPOSIS 1, ATTENUATED; POLYPOSIS, ADENOMATOUS INTESTINAL. Identifiers: MedGen C2713442, MONDO:0021056, OMIM 175100. Disease mechanism: loss of function.

Submissions (14):

PreventionGenetics, part of Exact Sciences
Classification: Uncertain significance for APC-related condition. Last evaluated: 2026-04-06. Review status: criteria provided, single submitter. Criteria: ACMG Guidelines, 2015. Collection method: clinical testing. Allele origin: germline.
Comment: The APC c.5501_5506del6 variant is predicted to result in an in-frame deletion (p.Val1834_Arg1835del). In the literature, this variant is also referred to as c.5497_5502del (p.Arg1833_Val1834del). This variant has been reported with uncertain significance in individuals with inflammatory bowel disease associated with colorectal cancer (Biscaglia et al. 2021. PubMed ID: 34347074) and in individuals with colorectal cancer (Table S3, de Oliveira et al. 2022. PubMed ID: 35534704). This variant has also been reported in a patient with 100 polyps and was also present in the sister of that patient who also had polyps and colorectal cancer (Out et al. 2015. PubMed ID: 25604157). This variant has also been reported in control populations (Supplementary Table 2, Okawa et al. 2023. PubMed ID: 36243179). This variant is reported in 0.016% of alleles in individuals of South Asian descent in gnomAD and has conflicting interpretations in ClinVar ranging from uncertain to likely benign (Variation ID: 141574). At this time, the clinical significance of this variant is uncertain due to the absence of conclusive functional and genetic evidence.

Labcorp Genetics (formerly Invitae), Labcorp
Classification: Uncertain significance for Familial adenomatous polyposis 1. Last evaluated: 2026-01-20. Review status: criteria provided, single submitter. Criteria: Invitae Variant Classification Sherloc (09022015). Collection method: clinical testing. Allele origin: germline.
Comment: This variant, c.5501_5506del, results in the deletion of 2 amino acid(s) of the APC protein (p.Val1834_Arg1835del), but otherwise preserves the integrity of the reading frame. This variant is present in population databases (rs587778029, gnomAD 0.02%). This variant has been observed in individual(s) with APC-related conditions (PMID: 25604157, 34347074, 35534704, 37937776; internal data). ClinVar contains an entry for this variant (Variation ID: 141574). Experimental studies and prediction algorithms are not available or were not evaluated, and the functional significance of this variant is currently unknown. In summary, the available evidence is currently insufficient to determine the role of this variant in disease. Therefore, it has been classified as a Variant of Uncertain Significance.

Quest Diagnostics Nichols Institute San Juan Capistrano
Classification: Likely benign. Last evaluated: 2025-04-28. Review status: criteria provided, single submitter. Criteria: Quest Diagnostics criteria. Collection method: clinical testing. Allele origin: unknown.

Ambry Genetics
Classification: Uncertain significance for Hereditary cancer-predisposing syndrome. Last evaluated: 2025-02-26. Review status: criteria provided, single submitter. Criteria: Ambry Variant Classification Scheme 2023. Collection method: clinical testing. Allele origin: germline.
Comment: The c.5501_5506delTCAGAG variant (also known as p.V1834_R1835del), located in coding exon 15 of the APC gene,results from an in-frame deletion of 6 nucleotides at positions 5501 to 5506 and the removal of two well-conserved residues at codons 1834 and 1835. This alteration was detected in two affected siblings, one with 100 colorectal polyps and one with with colon cancer and polyps. In addition, this alteration was also detected in two unaffected relatives from this family, but was not detected in a third affected relative (Out AA et al. Fam. Cancer. 2015 Jun;14:247-57). This amino acid region is well conserved in available vertebrate species. In addition, this alteration is predicted to be neutral by in silico analysis (Choi Y et al. PLoS ONE. 2012; 7(10):e46688). Since supporting evidence is limited at this time, the clinical significance of this alteration remains unclear.

Institute for Biomarker Research, Medical Diagnostic Laboratories, L.L.C.
Classification: Uncertain significance for Hereditary cancer-predisposing syndrome. Last evaluated: 2025-01-27. Review status: criteria provided, single submitter. Criteria: ACMG Guidelines, 2015. Collection method: clinical testing. Allele origin: germline.
Comment: The in-frame deletion NM_000038.6(APC):c.5501_5506delTCAGAG (p.Val1834_Arg1835del) has not been reported previously as a pathogenic variant, to our knowledge. This variant results in a deletion of 2 amino acid residues starting at 1834, including ValArg. However, as this is an in-frame deletion, it is not expected to result in either a truncated protein product or loss of protein through nonsense-mediated mRNA decay. The p.Val1834_Arg1835del variant is not in a repeat region. The p.Val1834_Arg1835del variant results in a deletion of 6 bases that are predicted conserved by GERP++ and PhyloP. For these reasons, this variant has been classified as Uncertain Significance

Molecular Pathology, Peter Maccallum Cancer Centre
Classification: Likely benign for Familial adenomatous polyposis 1. Last evaluated: 2024-06-07. Review status: criteria provided, single submitter. Criteria: ACMG Guidelines, 2015. Collection method: clinical testing. Allele origin: germline. Inheritance: Autosomal dominant inheritance.

Color Diagnostics, LLC DBA Color Health
Classification: Uncertain significance for Hereditary cancer-predisposing syndrome. Last evaluated: 2024-05-13. Review status: criteria provided, single submitter. Criteria: ACMG Guidelines, 2015. Collection method: clinical testing. Allele origin: germline.
Comment: This variant causes an in-frame deletion of two amino acids in exon 16 of the APC protein. To our knowledge, functional studies have not been performed for this variant. This variant has been reported in individuals affected with adenomatous polyps or colorectal cancer (PMID: 25604157, 34347074; ClinVar SCV000552723.9), as well as in a healthy individual (PMID: 24728327). This variant has also been observed in an individual with a pathogenic co-variant in the APC gene (ClinVar SCV000887538.3). This variant has been identified in 15/282250 chromosomes in the general population by the Genome Aggregation Database (gnomAD). The available evidence is insufficient to determine the role of this variant in disease conclusively. Therefore, this variant is classified as a Variant of Uncertain Significance.

Myriad Genetics, Inc.
Classification: Uncertain significance for Familial adenomatous polyposis 1. Last evaluated: 2023-02-17. Review status: criteria provided, single submitter. Criteria: Myriad Autosomal Dominant, Autosomal Recessive and X-Linked Classification Criteria (2023). Collection method: clinical testing. Allele origin: unknown.
Comment: This variant is classified as a variant of uncertain significance as there is insufficient evidence to determine its impact on protein function and/or cancer risk.

Sema4
Classification: Uncertain significance for Hereditary cancer-predisposing syndrome. Last evaluated: 2021-08-27. Review status: criteria provided, single submitter. Criteria: Sema4 Curation Guidelines. Collection method: curation. Allele origin: germline.
Comment: The APC c.5501_5506delTCAGAG (p.V1834_R1835del) variant has been reported in heterozygosity in at least one individual with multiple colorectal polyps and at least one individual with colorectal cancer (PMID: 25604157, 34347074). This variant was identified in one family with colorectal polyps; however, segregation of the variant with the phenotype was not observed (PMID: 25604157). This variant was observed in 5/30610 chromosomes in the South Asian population according to the Genome Aggregation Database (PMID: 32461654). This variant has been reported in ClinVar (Variation ID: 141574). Based on the current evidence available, this variant is interpreted as a variant of uncertain significance.

Department of Pathology and Laboratory Medicine, Sinai Health System
Classification: Uncertain significance for classic or attenuated familial adenomatous polyposis. Last evaluated: 2021-05-12. Review status: criteria provided, single submitter. Criteria: ACMG Guidelines, 2015. Collection method: clinical testing. Allele origin: germline. Affected: yes.

GeneDx
Classification: Likely benign. Last evaluated: 2020-09-29. Review status: criteria provided, single submitter. Criteria: GeneDx Variant Classification Process June 2021. Collection method: clinical testing. Allele origin: germline. Affected: yes.
Comment: This variant is associated with the following publications: (PMID: 25604157)

Women's Health and Genetics/Laboratory Corporation of America, LabCorp
Classification: Uncertain significance. Last evaluated: 2019-02-08. Review status: criteria provided, single submitter. Criteria: LabCorp Variant Classification Summary - May 2015. Collection method: clinical testing. Allele origin: germline.
Comment: Variant summary: APC c.5501_5506delTCAGAG (p.Val1834_Arg1835del) results in an in-frame deletion that is predicted to remove 2 amino acids from the encoded protein. The variant allele was found at a frequency of 5.1e-05 in 276620 control chromosomes, predominantly at a frequency of 0.00016 within the South Asian subpopulation in the gnomAD database. The available data on variant occurrences in the general population are insufficient to allow any conclusion about variant significance. c.5501_5506delTCAGAG has been reported in the literature in a family affected with Familial Adenomatous Polyposis, where this variant did not segregate with disease (Out_2015). To our knowledge, no experimental evidence demonstrating an impact on protein function has been reported. Four ClinVar submissions from clinical diagnostic laboratories (evaluation after 2014) cite the variant as uncertain significance. Based on the evidence outlined above, the variant was classified as uncertain significance.

Counsyl
Classification: Uncertain significance for Familial adenomatous polyposis 1. Last evaluated: 2016-09-30. Review status: no assertion criteria provided. Collection method: clinical testing. Allele origin: unknown. Not counted in ClinVar's aggregate classification.

ITMI
No classification provided. Condition: AllHighlyPenetrant. Last evaluated: 2013-09-19. Review status: no classification provided. Collection method: reference population. Allele origin: germline. Not counted in ClinVar's aggregate classification.
Comment: Please see associated publication for description of ethnicities

Literature cited by the submitters: PubMed 25604157 (cited by 8 submitters); PubMed 34347074 (cited by 4 submitters); PubMed 35534704 (cited by Labcorp Genetics (formerly Invitae), Labcorp and Quest Diagnostics Nichols Institute San Juan Capistrano); PubMed 37937776 (cited by Labcorp Genetics (formerly Invitae), Labcorp); PubMed 36243179 (cited by Quest Diagnostics Nichols Institute San Juan Capistrano); PubMed 24728327 (cited by 6 submitters).